The following is an entry in ClinVar:

NM_021167.5(GATAD1):c.632A>T (p.Asp211Val)

Gene: GATAD1 (GATA zinc finger domain containing 1; plus strand). Cytogenetic location: 7q21.2.
Variant type: single nucleotide variant.
Coding change: c.632A>T on transcript NM_021167.5 (MANE Select); coding-DNA position 632, A replaced by T.
Protein change: p.Asp211Val; replaces aspartic acid 211 with valine.
Molecular consequence: missense variant. On other transcripts: non-coding transcript variant (1).
Genome position (GRCh38, 1-based): chr7:92,456,384, A>T. VCF-style: chr7-92456384-A-T. GRCh37 (hg19) VCF-style: chr7-92085698-A-T.
Other names: short protein forms D211V.
Identifiers: ClinVar variation 1353904 (VCV001353904.6), dbSNP rs2115885418, ClinGen allele CA368162614.

ClinVar aggregate classification (germline): Uncertain significance (1 of 4 stars; one submission).

Conditions:
Dilated cardiomyopathy 2B. Identifiers: Orphanet 154, MedGen C3553409, MONDO:0013848, OMIM 614672.

Submission:

Labcorp Genetics (formerly Invitae), Labcorp
Classification: Uncertain significance for Dilated cardiomyopathy 2B. Last evaluated: 2021-07-31. Review status: criteria provided, single submitter. Criteria: Invitae Variant Classification Sherloc (09022015). Collection method: clinical testing. Allele origin: germline.
Comment: In summary, the available evidence is currently insufficient to determine the role of this variant in disease. Therefore, it has been classified as a Variant of Uncertain Significance. Algorithms developed to predict the effect of missense changes on protein structure and function (SIFT, PolyPhen-2, Align-GVGD) all suggest that this variant is likely to be disruptive. This variant has not been reported in the literature in individuals affected with GATAD1-related conditions. This variant is not present in population databases (ExAC no frequency). This sequence change replaces aspartic acid with valine at codon 211 of the GATAD1 protein (p.Asp211Val). The aspartic acid residue is highly conserved and there is a large physicochemical difference between aspartic acid and valine.